The following is an entry in ClinVar:

ClinVar aggregate classification (germline): Uncertain significance. Review status: criteria provided, multiple submitters, no conflicts (2 of 4 stars). 2 submissions from 2 submitters: Uncertain significance (2). Last evaluated 2025-10-10.

Conditions:
Familial cancer of breast. Also called: Hereditary breast cancer; hereditary breast carcinoma; BREAST CANCER, FAMILIAL. Identifiers: Orphanet 227535, MedGen C0346153, MONDO:0016419, OMIM 114480. Disease mechanism: loss of function.
Fanconi anemia complementation group J. Also called: BRIP1-Related Fanconi Anemia. Identifiers: Orphanet 84, MedGen C1836860, MONDO:0012187, OMIM 609054.
Hereditary cancer-predisposing syndrome. Also called: Hereditary Cancer Syndrome; Neoplastic Syndromes, Hereditary; Hereditary neoplastic syndrome; Tumor predisposition. Identifiers: Orphanet 140162, MedGen C0027672, MeSH D009386, MONDO:0015356.

Submissions (2):

Ambry Genetics
Classification: Uncertain significance for Hereditary cancer-predisposing syndrome. Last evaluated: 2025-10-10. Review status: criteria provided, single submitter. Criteria: Ambry Variant Classification Scheme 2023. Collection method: clinical testing. Allele origin: germline.
Comment: The p.W714R variant (also known as c.2140T>C), located in coding exon 14 of the BRIP1 gene, results from a T to C substitution at nucleotide position 2140. The tryptophan at codon 714 is replaced by arginine, an amino acid with dissimilar properties. This amino acid position is highly conserved in available vertebrate species. In addition, this alteration is predicted to be deleterious by in silico analysis. Since supporting evidence is limited at this time, the clinical significance of this alteration remains unclear.

Labcorp Genetics (formerly Invitae), Labcorp
Classification: Uncertain significance for Familial cancer of breast; Fanconi anemia complementation group J. Last evaluated: 2022-05-18. Review status: criteria provided, single submitter. Criteria: Invitae Variant Classification Sherloc (09022015). Collection method: clinical testing. Allele origin: germline.
Comment: This variant has not been reported in the literature in individuals affected with BRIP1-related conditions. This sequence change replaces tryptophan, which is neutral and slightly polar, with arginine, which is basic and polar, at codon 714 of the BRIP1 protein (p.Trp714Arg). This variant is not present in population databases (gnomAD no frequency). ClinVar contains an entry for this variant (Variation ID: 820796). Algorithms developed to predict the effect of missense changes on protein structure and function are either unavailable or do not agree on the potential impact of this missense change (SIFT: "Deleterious"; PolyPhen-2: "Probably Damaging"; Align-GVGD: "Class C15"). In summary, the available evidence is currently insufficient to determine the role of this variant in disease. Therefore, it has been classified as a Variant of Uncertain Significance.

NM_032043.3(BRIP1):c.2140T>C (p.Trp714Arg)

Gene: BRIP1 (BRCA1 interacting DNA helicase 1; minus strand). Cytogenetic location: 17q23.2.
Variant type: single nucleotide variant.
Coding change: c.2140T>C on transcript NM_032043.3 (MANE Select); coding-DNA position 2140, T replaced by C.
Protein change: p.Trp714Arg; replaces tryptophan 714 with arginine.
Molecular consequence: missense variant.
Genome position (GRCh38, 1-based): chr17:61,744,549, A>G on the plus strand (T>C on the coding strand, the complement: BRIP1 is on the minus strand). VCF-style: chr17-61744549-A-G. GRCh37 (hg19) VCF-style: chr17-59821910-A-G.
Other names: short protein forms W714R.
Identifiers: ClinVar variation 820796 (VCV000820796.13), dbSNP rs1603304614, ClinGen allele CA400483228.